The following is an entry in ClinVar:

ClinVar aggregate classification (germline): Likely benign. Review status: criteria provided, multiple submitters, no conflicts (2 of 4 stars). 3 submissions from 3 submitters: Likely benign (2). 1 of the submissions does not count toward it. Last evaluated 2025-11-10.

Conditions:
RECQL4-related disorder. Also called: RECQL4-related condition; RECQL4-related disorders.
Inborn genetic diseases. Identifiers: MedGen C0950123, MeSH D030342.
Baller-Gerold syndrome (BGS). Also called: CRANIOSYNOSTOSIS WITH RADIAL DEFECTS. Identifiers: Orphanet 1225, MedGen C0265308, MONDO:0009039, OMIM 218600.

Allele frequency attached by ClinVar (database versions not stated): gnomAD exomes 0.00001; gnomAD 0.00013 and 0.00014; TOPMed 0.00019; 1000 Genomes Project 30x 0.00031.

Submissions (3):

Labcorp Genetics (formerly Invitae), Labcorp
Classification: Likely benign for Baller-Gerold syndrome. Last evaluated: 2025-11-10. Review status: criteria provided, single submitter. Criteria: Invitae Variant Classification Sherloc (09022015). Collection method: clinical testing. Allele origin: germline.

Ambry Genetics
Classification: Likely benign for Inborn genetic diseases. Last evaluated: 2024-11-23. Review status: criteria provided, single submitter. Criteria: Ambry Variant Classification Scheme 2023. Collection method: clinical testing. Allele origin: germline.

PreventionGenetics, part of Exact Sciences
Classification: Likely benign for RECQL4-related condition. Last evaluated: 2022-07-20. Review status: no assertion criteria provided. Collection method: clinical testing. Allele origin: germline. Not counted in ClinVar's aggregate classification.
Comment: This variant is classified as likely benign based on ACMG/AMP sequence variant interpretation guidelines (Richards et al. 2015 PMID: 25741868, with internal and published modifications).

NM_004260.4(RECQL4):c.69G>A (p.Gly23=)

Genes: RECQL4 (RecQ like helicase 4; minus strand), LOC130001411 (ATAC-STARR-seq lymphoblastoid silent region 19699; plus strand). Cytogenetic location: 8q24.3.
Variant type: single nucleotide variant.
Coding change: c.69G>A on transcript NM_004260.4 (MANE Select); coding-DNA position 69, G replaced by A.
Protein change: p.Gly23=; no amino-acid change (glycine 23 retained).
Molecular consequence: synonymous variant.
Genome position (GRCh38, 1-based): chr8:144,517,716, C>T on the plus strand (G>A on the coding strand, the complement: RECQL4 is on the minus strand). VCF-style: chr8-144517716-C-T. GRCh37 (hg19) VCF-style: chr8-145743100-C-T.
Identifiers: ClinVar variation 459511 (VCV000459511.14), dbSNP rs1034662952, ClinGen allele CA187691276.